The following is an entry in ClinVar:

NM_004667.6(HERC2):c.13438G>A (p.Gly4480Ser)

Gene: HERC2 (HECT and RLD domain containing E3 ubiquitin protein ligase 2; minus strand). Cytogenetic location: 15q13.1.
Variant type: single nucleotide variant.
Coding change: c.13438G>A on transcript NM_004667.6 (MANE Select); coding-DNA position 13438, G replaced by A.
Protein change: p.Gly4480Ser; replaces glycine 4480 with serine.
Molecular consequence: missense variant.
Genome position (GRCh38, 1-based): chr15:28,116,836, C>T on the plus strand (G>A on the coding strand, the complement: HERC2 is on the minus strand). VCF-style: chr15-28116836-C-T. GRCh37 (hg19) VCF-style: chr15-28361982-C-T.
Other names: short protein forms G4480S.
Identifiers: ClinVar variation 1342430 (VCV001342430.1), dbSNP rs2142056746, ClinGen allele CA391371437.
Genomic context (GRCh38, chr15:28,116,836, plus strand): 5'-GGGGCGTGAGTCCGTTCTGCAGCTCCTCACAGATCTCAGCTATGGACTCGCTGTAGCCGC[C>T]CCCACAGTCATCCACAGATTCACCTGCAGGGGAGAAGCAGCCACTCGAAGTCCCCTCACA-3'
Protein context (NP_004658.3, residues 4470-4490): FVGESVDDCG[Gly4480Ser]GYSESIAEIC

ClinVar aggregate classification (germline): Uncertain significance (1 of 4 stars; one submission).

Conditions:
Developmental delay with autism spectrum disorder and gait instability (MRT38). Also called: Intellectual developmental disorder, autosomal recessive 38. Identifiers: Orphanet 329195, MedGen C3809753, MONDO:0014224, OMIM 615516.

Submission:

New York Genome Center
Classification: Uncertain significance for Developmental delay with autism spectrum disorder and gait instability. Last evaluated: 2021-04-09. Review status: criteria provided, single submitter. Criteria: NYGC Assertion Criteria 2020. Collection method: clinical testing. Allele origin: inherited. Observed: 1 variant allele. Study: CSER-NYCKidSeq.
Comment: The inherited heterozygous c.13438G>A (p.Gly4480Ser) missense variant identified in the HERC2 gene has not been reported in affected individuals in the literature. The variant is absent from the gnomAD database suggesting it is not a common benign variant in the populations represented in that database. The variant affects an evolutionarily conserved residue and is predicted deleterious by multiple in silico tools. Based on the available evidence, the inherited heterozygous c.13438G>A (p.Gly4480Ser) missense variant identified in the HERC2 gene is reported as a variant of uncertain significance.